The following is an entry in ClinVar:

ClinVar aggregate classification (germline): Uncertain significance. Review status: criteria provided, multiple submitters, no conflicts (2 of 4 stars). 2 submissions from 2 submitters: Uncertain significance (2). Last evaluated 2026-05-12.

Conditions:
PDE6B-related disorder. Also called: PDE6B-related disorders; PDE6B-related disease; PDE6B-related condition.

Allele frequency attached by ClinVar (database versions not stated): ExAC 0.00001; gnomAD 0.00001; gnomAD exomes 0.00001 and 0.00002; TOPMed 0.00002.
gnomAD v4.1: 27 of 1,609,208 alleles (0.0017%); highest among the groups gnomAD compares: East Asian, 0.0045%; no homozygotes.

Submissions (2):

PreventionGenetics, part of Exact Sciences
Classification: Uncertain significance for PDE6B-related condition. Last evaluated: 2026-05-12. Review status: criteria provided, single submitter. Criteria: ACMG Guidelines, 2015. Collection method: clinical testing. Allele origin: germline.
Comment: The PDE6B c.244C>T variant is predicted to result in the amino acid substitution p.Arg82Cys. To our knowledge, this variant has not been reported in the literature. This variant is reported in 0.0034% of alleles in individuals of South Asian descent in gnomAD. At this time, the clinical significance of this variant is uncertain due to the absence of conclusive functional and genetic evidence.

Labcorp Genetics (formerly Invitae), Labcorp
Classification: Uncertain significance. Last evaluated: 2025-08-14. Review status: criteria provided, single submitter. Criteria: Invitae Variant Classification Sherloc (09022015). Collection method: clinical testing. Allele origin: germline.
Comment: This sequence change replaces arginine, which is basic and polar, with cysteine, which is neutral and slightly polar, at codon 82 of the PDE6B protein (p.Arg82Cys). The frequency data for this variant in the population databases is considered unreliable, as metrics indicate poor data quality at this position in the gnomAD database. This variant has not been reported in the literature in individuals affected with PDE6B-related conditions. ClinVar contains an entry for this variant (Variation ID: 940110). Invitae Evidence Modeling of protein sequence and biophysical properties (such as structural, functional, and spatial information, amino acid conservation, physicochemical variation, residue mobility, and thermodynamic stability) has been performed for this missense variant. However, the output from this modeling did not meet the statistical confidence thresholds required to predict the impact of this variant on PDE6B protein function. In summary, the available evidence is currently insufficient to determine the role of this variant in disease. Therefore, it has been classified as a Variant of Uncertain Significance.

NM_000283.4(PDE6B):c.244C>T (p.Arg82Cys)

Gene: PDE6B (phosphodiesterase 6B; plus strand). Cytogenetic location: 4p16.3.
Variant type: single nucleotide variant.
Coding change: c.244C>T on transcript NM_000283.4 (MANE Select); coding-DNA position 244, C replaced by T.
Protein change: p.Arg82Cys; replaces arginine 82 with cysteine.
Molecular consequence: missense variant.
Genome position (GRCh38, 1-based): chr4:625,870, C>T. VCF-style: chr4-625870-C-T. GRCh37 (hg19) VCF-style: chr4-619659-C-T.
Other names: c.244C>T, p.Arg82Cys (NM_001145291.2); short protein forms R82C.
Identifiers: ClinVar variation 940110 (VCV000940110.8), dbSNP rs754051319, ClinGen allele CA2793887.